The following is an entry in ClinVar:

ClinVar aggregate classification (germline): Uncertain significance (1 of 4 stars; one submission).

Allele frequency attached by ClinVar (database versions not stated): gnomAD 0.00001; gnomAD exomes 0.00001; TOPMed 0.00001; ExAC 0.00002.
gnomAD v4.1: 4 of 1,608,288 alleles (0.00025%); highest among the groups gnomAD compares: Admixed American, 0.0068%; no homozygotes.

Submission:

Labcorp Genetics (formerly Invitae), Labcorp
Classification: Uncertain significance. Last evaluated: 2024-12-03. Review status: criteria provided, single submitter. Criteria: Invitae Variant Classification Sherloc (09022015). Collection method: clinical testing. Allele origin: germline.
Comment: This sequence change replaces tyrosine, which is neutral and polar, with phenylalanine, which is neutral and non-polar, at codon 404 of the SLC25A24 protein (p.Tyr404Phe). This variant is present in population databases (rs768776765, gnomAD 0.01%). This variant has not been reported in the literature in individuals affected with SLC25A24-related conditions. ClinVar contains an entry for this variant (Variation ID: 1986026). Invitae Evidence Modeling of protein sequence and biophysical properties (such as structural, functional, and spatial information, amino acid conservation, physicochemical variation, residue mobility, and thermodynamic stability) indicates that this missense variant is not expected to disrupt SLC25A24 protein function with a negative predictive value of 80%. In summary, the available evidence is currently insufficient to determine the role of this variant in disease. Therefore, it has been classified as a Variant of Uncertain Significance.

NM_013386.5(SLC25A24):c.1211A>T (p.Tyr404Phe)

Gene: SLC25A24 (solute carrier family 25 member 24; minus strand). Cytogenetic location: 1p13.3.
Variant type: single nucleotide variant.
Coding change: c.1211A>T on transcript NM_013386.5 (MANE Select); coding-DNA position 1211, A replaced by T.
Protein change: p.Tyr404Phe; replaces tyrosine 404 with phenylalanine.
Molecular consequence: missense variant.
Genome position (GRCh38, 1-based): chr1:108,139,096, T>A on the plus strand (A>T on the coding strand, the complement: SLC25A24 is on the minus strand). VCF-style: chr1-108139096-T-A. GRCh37 (hg19) VCF-style: chr1-108681718-T-A.
Other names: c.1154A>T, p.Tyr385Phe (NM_213651.3); short protein forms Y385F, Y404F.
Identifiers: ClinVar variation 1986026 (VCV001986026.4), dbSNP rs768776765, ClinGen allele CA979056.